The following is an entry in ClinVar:

NM_032638.5(GATA2):c.481C>G (p.Pro161Ala)

Gene: GATA2 (GATA binding protein 2; minus strand). Cytogenetic location: 3q21.3.
Variant type: single nucleotide variant.
Coding change: c.481C>G on transcript NM_032638.5 (MANE Select); coding-DNA position 481, C replaced by G.
Protein change: p.Pro161Ala; replaces proline 161 with alanine.
Molecular consequence: missense variant.
Genome position (GRCh38, 1-based): chr3:128,486,117, G>C on the plus strand (C>G on the coding strand, the complement: GATA2 is on the minus strand). VCF-style: chr3-128486117-G-C. GRCh37 (hg19) VCF-style: chr3-128204960-G-C.
Other names: p.Pro161Ala; c.481C>G, p.Pro161Ala (NM_001145661.2, NM_001145662.1); short protein forms P161A.
Identifiers: ClinVar variation 134465 (VCV000134465.76), dbSNP rs34799090, ClinGen allele CA159894.

ClinVar aggregate classification (germline): Conflicting classifications of pathogenicity. Review status: criteria provided, conflicting classifications (1 of 4 stars). 17 submissions from 17 submitters: Uncertain significance (1); Benign (5); Likely benign (4). 7 of the submissions do not count toward it. Last evaluated 2026-09-01.

Conditions:
GATA2-related disorder. Also called: GATA2-related condition; GATA2-Related Disorders.
Inborn genetic diseases. Identifiers: MedGen C0950123, MeSH D030342.
Monocytopenia with susceptibility to infections. Also called: GATA2 DEFICIENCY; Dendritic cell, monocyte, B lymphocyte, and natural killer lymphocyte deficiency; IMMUNODEFICIENCY 21; MONOCYTOPENIA AND MYCOBACTERIAL INFECTION SYNDROME; MONOCYTOPENIA WITH SUSCEPTIBILITY TO MYCOBACTERIAL, FUNGAL, AND PAPILLOMAVIRUS INFECTIONS AND MYELODYSPLASIA; COMBINED IMMUNODEFICIENCY WITH SUSCEPTIBILITY TO MYCOBACTERIAL, VIRAL, AND FUNGAL INFECTIONS. Identifiers: Orphanet 228423, MedGen C3280030, MONDO:0013607, OMIM 614172.
Deafness-lymphedema-leukemia syndrome. Also called: Emberger syndrome; Lymphedema, primary, with myelodysplasia. Identifiers: Orphanet 3226, MedGen C3279664, MONDO:0013540, OMIM 614038.

Allele frequency attached by ClinVar (database versions not stated): ESP Exome Variant Server 0.00938; 1000 Genomes Project 0.00160; 1000 Genomes Project 30x 0.00172; gnomAD 0.00834 and 0.00854; TOPMed 0.00838.
gnomAD v4.1: 19,391 of 1,611,704 alleles (1.2%); highest among the groups gnomAD compares: Non-Finnish European, 1.5%; 168 homozygotes.

Submissions (17):

CeGaT Center for Human Genetics Tuebingen
Classification: Likely benign. Last evaluated: 2026-09-01. Review status: criteria provided, single submitter. Criteria: CeGaT Center For Human Genetics Tuebingen Variant Classification Criteria Version 2. Collection method: clinical testing. Allele origin: germline. Affected: yes. Observed: 38 variant alleles.
Comment: GATA2: BS1

Labcorp Genetics (formerly Invitae), Labcorp
Classification: Benign for Monocytopenia with susceptibility to infections; Deafness-lymphedema-leukemia syndrome. Last evaluated: 2026-02-04. Review status: criteria provided, single submitter. Criteria: Invitae Variant Classification Sherloc (09022015). Collection method: clinical testing. Allele origin: germline.

ARUP Laboratories, Molecular Genetics and Genomics, ARUP Laboratories
Classification: Benign. Last evaluated: 2025-06-12. Review status: criteria provided, single submitter. Criteria: ARUP Molecular Germline Variant Investigation Process 2024. Collection method: clinical testing. Allele origin: germline.

Mayo Clinic Laboratories, Mayo Clinic
Classification: Likely benign. Last evaluated: 2025-03-24. Review status: criteria provided, single submitter. Criteria: ACMG Guidelines, 2015. Collection method: clinical testing. Allele origin: germline. Observed: 47 variant alleles.
Comment: BS1, BS2, PM1

Blueprint Genetics
Classification: Likely benign. Last evaluated: 2024-11-26. Review status: criteria provided, single submitter. Criteria: ACMG Guidelines, 2015. Collection method: clinical testing. Allele origin: germline.

Ambry Genetics
Classification: Benign for Inborn genetic diseases. Last evaluated: 2024-08-20. Review status: criteria provided, single submitter. Criteria: Ambry Variant Classification Scheme 2023. Collection method: clinical testing. Allele origin: germline.

Institute for Clinical Genetics, University Hospital TU Dresden, University Hospital TU Dresden
Classification: Uncertain significance. Last evaluated: 2021-11-03. Review status: criteria provided, single submitter. Criteria: ACMG Guidelines, 2015. Collection method: clinical testing. Allele origin: germline.

GeneDx
Classification: Likely benign. Last evaluated: 2021-02-18. Review status: criteria provided, single submitter. Criteria: GeneDx Variant Classification Process June 2021. Collection method: clinical testing. Allele origin: germline. Affected: yes.

Illumina Laboratory Services, Illumina
Classification: Benign for Deafness-lymphedema-leukemia syndrome. Last evaluated: 2018-01-13. Review status: criteria provided, single submitter. Criteria: ICSL Variant Classification Criteria 13 December 2019. Collection method: clinical testing. Allele origin: germline.
Comment: This variant was observed in the ICSL laboratory as part of a predisposition screen in an ostensibly healthy population. It had not been previously curated by ICSL or reported in the Human Gene Mutation Database (HGMD: prior to June 1st, 2018), and was therefore a candidate for classification through an automated scoring system. Utilizing variant allele frequency, disease prevalence and penetrance estimates, and inheritance mode, an automated score was calculated to assess if this variant is too frequent to cause the disease. Based on the score and internal cut-off values, a variant classified as benign is not then subjected to further curation. The score for this variant resulted in a classification of benign for this disease.

Genetic Services Laboratory, University of Chicago
Classification: Benign. Last evaluated: 2016-10-27. Review status: criteria provided, single submitter. Criteria: ACMG Guidelines, 2015. Collection method: clinical testing. Allele origin: germline. Affected: no.

PreventionGenetics, part of Exact Sciences
Classification: Benign for GATA2-related condition. Last evaluated: 2020-06-05. Review status: no assertion criteria provided. Collection method: clinical testing. Allele origin: germline. Not counted in ClinVar's aggregate classification.
Comment: This variant is classified as benign based on ACMG/AMP sequence variant interpretation guidelines (Richards et al. 2015 PMID: 25741868, with internal and published modifications).

ITMI
No classification provided. Condition: AllHighlyPenetrant. Last evaluated: 2013-09-19. Review status: no classification provided. Collection method: reference population. Allele origin: germline. Not counted in ClinVar's aggregate classification.
Comment: Please see associated publication for description of ethnicities

Clinical Genetics DNA and cytogenetics Diagnostics Lab, Erasmus MC, Erasmus Medical Center
Classification: Benign. Review status: no assertion criteria provided. Collection method: clinical testing. Allele origin: germline. Affected: yes. Study: VKGL Data-share Consensus. Not counted in ClinVar's aggregate classification.

Clinical Genetics, Academic Medical Center
Classification: Benign. Review status: no assertion criteria provided. Collection method: clinical testing. Allele origin: germline. Affected: yes. Study: VKGL Data-share Consensus. Not counted in ClinVar's aggregate classification.

Genome Diagnostics Laboratory, Amsterdam University Medical Center
Classification: Benign. Review status: no assertion criteria provided. Collection method: clinical testing. Allele origin: germline. Affected: yes. Study: VKGL Data-share Consensus. Not counted in ClinVar's aggregate classification.

Genome Diagnostics Laboratory, University Medical Center Utrecht
Classification: Benign. Review status: no assertion criteria provided. Collection method: clinical testing. Allele origin: germline. Affected: yes. Study: VKGL Data-share Consensus. Not counted in ClinVar's aggregate classification.

Joint Genome Diagnostic Labs from Nijmegen and Maastricht, Radboudumc and MUMC+
Classification: Benign. Review status: no assertion criteria provided. Collection method: clinical testing. Allele origin: germline. Affected: yes. Study: VKGL Data-share Consensus. Not counted in ClinVar's aggregate classification.

Literature cited by the submitters: PubMed 32208489 (cited by Mayo Clinic Laboratories, Mayo Clinic); PubMed 24728327 (cited by ITMI).